The following is an entry in ClinVar:

NM_001243133.2(NLRP3):c.1084C>A (p.His362Asn)

Gene: NLRP3 (NLR family pyrin domain containing 3; plus strand). Cytogenetic location: 1q44.
Variant type: single nucleotide variant.
Coding change: c.1084C>A on transcript NM_001243133.2 (MANE Select); coding-DNA position 1084, C replaced by A.
Protein change: p.His362Asn; replaces histidine 362 with asparagine.
Molecular consequence: missense variant.
Genome position (GRCh38, 1-based): chr1:247,424,533, C>A. VCF-style: chr1-247424533-C-A. GRCh37 (hg19) VCF-style: chr1-247587835-C-A.
Other names: c.1084C>A, p.His362Asn (NM_001079821.3, NM_001127461.3, NM_001127462.3 and 1 more transcripts); c.1090C>A, p.His364Asn (NM_004895.5); short protein forms H362N, H364N.
Identifiers: ClinVar variation 4800142 (VCV004800142.1).

ClinVar aggregate classification (germline): Uncertain significance (1 of 4 stars; one submission).

Conditions:
Cryopyrin associated periodic syndrome (CAPS). Identifiers: Orphanet 208650, MedGen C2316212, MONDO:0016168.

Submission:

Labcorp Genetics (formerly Invitae), Labcorp
Classification: Uncertain significance for Cryopyrin associated periodic syndrome. Last evaluated: 2025-05-18. Review status: criteria provided, single submitter. Criteria: Invitae Variant Classification Sherloc (09022015). Collection method: clinical testing. Allele origin: germline.
Comment: This sequence change replaces histidine, which is basic and polar, with asparagine, which is neutral and polar, at codon 364 of the NLRP3 protein (p.His364Asn). This variant is not present in population databases (gnomAD no frequency). This variant has not been reported in the literature in individuals affected with NLRP3-related conditions. Invitae Evidence Modeling of protein sequence and biophysical properties (such as structural, functional, and spatial information, amino acid conservation, physicochemical variation, residue mobility, and thermodynamic stability) has been performed for this missense variant. However, the output from this modeling did not meet the statistical confidence thresholds required to predict the impact of this variant on NLRP3 protein function. In summary, the available evidence is currently insufficient to determine the role of this variant in disease. Therefore, it has been classified as a Variant of Uncertain Significance.